The following is an entry in ClinVar:

ClinVar aggregate classification (germline): Uncertain significance (1 of 4 stars; one submission).

Conditions:
Fanconi anemia (FA). Also called: Fanconi's anemia. Identifiers: Orphanet 84, MedGen C0015625, MeSH D005199, MONDO:0019391.

Submission:

Labcorp Genetics (formerly Invitae), Labcorp
Classification: Uncertain significance for Fanconi anemia. Last evaluated: 2024-04-25. Review status: criteria provided, single submitter. Criteria: Invitae Variant Classification Sherloc (09022015). Collection method: clinical testing. Allele origin: germline.
Comment: This sequence change replaces valine, which is neutral and non-polar, with isoleucine, which is neutral and non-polar, at codon 1052 of the FANCD2 protein (p.Val1052Ile). This variant is not present in population databases (gnomAD no frequency). This variant has not been reported in the literature in individuals affected with FANCD2-related conditions. Advanced modeling of protein sequence and biophysical properties (such as structural, functional, and spatial information, amino acid conservation, physicochemical variation, residue mobility, and thermodynamic stability) performed at Invitae indicates that this missense variant is not expected to disrupt FANCD2 protein function with a negative predictive value of 80%. In summary, the available evidence is currently insufficient to determine the role of this variant in disease. Therefore, it has been classified as a Variant of Uncertain Significance.

NM_001018115.3(FANCD2):c.3154G>A (p.Val1052Ile)

Genes: FANCD2OS (FANCD2 opposite strand; minus strand), FANCD2 (FA complementation group D2; plus strand). Cytogenetic location: 3p25.3.
Variant type: single nucleotide variant.
Coding change: c.3154G>A on transcript NM_001018115.3 (MANE Select); coding-DNA position 3154, G replaced by A.
Protein change: p.Val1052Ile; replaces valine 1052 with isoleucine.
Molecular consequence: missense variant. On other transcripts: 3 prime UTR variant (1).
Genome position (GRCh38, 1-based): chr3:10,081,394, G>A. VCF-style: chr3-10081394-G-A. GRCh37 (hg19) VCF-style: chr3-10123078-G-A.
Other names: c.*181C>T (NM_173472.2); c.3154G>A, p.Val1052Ile (NM_001319984.2, NM_001374254.1, NM_033084.6); c.3043G>A, p.Val1015Ile (NM_001374253.1); short protein forms V1015I, V1052I.
Identifiers: ClinVar variation 3630875 (VCV003630875.2).